The following is an entry in ClinVar:

NM_001904.4(CTNNB1):c.1863dup (p.Ala622fs)

Gene: CTNNB1 (catenin beta 1; plus strand). Cytogenetic location: 3p22.1.
Variant type: Duplication.
Coding change: c.1863dup on transcript NM_001904.4 (MANE Select); coding-DNA position 1863, one base duplicated (T; older notation c.1863dupT).
Protein change: p.Ala622fs; shifts the reading frame from alanine 622.
Molecular consequence: frameshift variant.
Genome position (GRCh38, 1-based): chr3:41,236,408, T duplicated; the last of 2 consecutive T bases (chr3:41,236,407-41,236,408); duplicating either gives the same sequence. VCF-style (leftmost placement, unchanged base first): chr3-41236406-C-CT. GRCh37 (hg19) VCF-style: chr3-41277897-C-CT.
Other names: c.1863dup, p.Ala622fs (NM_001098209.2, NM_001098210.2); c.1842dup, p.Ala615fs (NM_001330729.2); short protein forms A615fs, A622fs.
Identifiers: ClinVar variation 2506272 (VCV002506272.1), dbSNP rs2470847156, ClinGen allele CA2580614215.

ClinVar aggregate classification (germline): Pathogenic (1 of 4 stars; one submission).

Conditions:
Severe intellectual disability-progressive spastic diplegia syndrome (NEDSDV). Also called: NEURODEVELOPMENTAL DISORDER WITH SPASTIC DIPLEGIA AND VISUAL DEFECTS; CTNNB1 Neurodevelopmental Disorder. Identifiers: Orphanet 404473, MedGen C3554449, MONDO:0014035, OMIM 615075.

Submission:

Women's Health and Genetics/Laboratory Corporation of America, LabCorp
Classification: Pathogenic for Severe intellectual disability-progressive spastic diplegia syndrome. Last evaluated: 2023-05-24. Review status: criteria provided, single submitter. Criteria: LabCorp Variant Classification Summary - May 2015. Collection method: clinical testing. Allele origin: germline.
Comment: Variant summary: CTNNB1 c.1863dupT (p.Ala622CysfsX11) results in a premature termination codon, predicted to cause a truncation of the encoded protein or absence of the protein due to nonsense mediated decay, which are commonly known mechanisms for disease. The variant was absent in 251066 control chromosomes (gnomAD). To our knowledge, no occurrence of c.1863dupT in individuals affected with Severe Intellectual Disability-Progressive Spastic Diplegia Syndrome and no experimental evidence demonstrating its impact on protein function have been reported. No clinical diagnostic laboratories have submitted clinical-significance assessments for this variant to ClinVar after 2014. Based on the evidence outlined above, the variant was classified as pathogenic.